The following is an entry in ClinVar:

NR_003051.4(RMRP):n.206C>T

Gene: RMRP (RNA component of mitochondrial RNA processing endoribonuclease; minus strand). Cytogenetic location: 9p13.3.
Variant type: single nucleotide variant.
Genome position: GRCh38 VCF-style: chr9-35657814-G-A. GRCh37 (hg19) VCF-style: chr9-35657811-G-A.
Identifiers: ClinVar variation 1014461 (VCV001014461.3), dbSNP rs925085494, ClinGen allele CA192745566.

ClinVar aggregate classification (germline): Uncertain significance. Review status: criteria provided, single submitter (1 of 4 stars). 2 submissions from 2 submitters: Uncertain significance (1). 1 of the submissions does not count toward it. Last evaluated 2022-06-09.

Conditions:
Anauxetic dysplasia. Identifiers: Orphanet 93347, MedGen C1846796, MONDO:0011773.
Metaphyseal chondrodysplasia, McKusick type (CHH). Also called: Cartilage-Hair Hypoplasia (CHH); Cartilage-hair hypoplasia. Identifiers: Orphanet 175, MedGen C0220748, MONDO:0009595, OMIM 250250.

Allele frequency attached by ClinVar (database versions not stated): TOPMed below 0.00001; gnomAD exomes 0.00003.

Submissions (2):

Labcorp Genetics (formerly Invitae), Labcorp
Classification: Uncertain significance for Anauxetic dysplasia. Last evaluated: 2022-06-09. Review status: criteria provided, single submitter. Criteria: Invitae Variant Classification Sherloc (09022015). Collection method: clinical testing. Allele origin: germline.
Comment: This variant occurs in the RMRP gene, which encodes an RNA molecule that does not result in a protein product. This variant is present in population databases (no rsID available, gnomAD 0.03%). This variant has not been reported in the literature in individuals affected with RMRP-related conditions. ClinVar contains an entry for this variant (Variation ID: 1014461). Experimental studies and prediction algorithms are not available or were not evaluated, and the functional significance of this variant is currently unknown. In summary, the available evidence is currently insufficient to determine the role of this variant in disease. Therefore, it has been classified as a Variant of Uncertain Significance.

Natera, Inc.
Classification: Uncertain significance for Cartilage-hair hypoplasia. Last evaluated: 2020-09-29. Review status: no assertion criteria provided. Collection method: clinical testing. Allele origin: germline. Not counted in ClinVar's aggregate classification.